The following is an entry in ClinVar:

NM_000203.5(IDUA):c.504_510del (p.Leu169fs)

Gene: IDUA (alpha-L-iduronidase; plus strand). Cytogenetic location: 4p16.3.
Variant type: Deletion.
Coding change: c.504_510del on transcript NM_000203.5 (MANE Select); coding-DNA positions 504 to 510, 7 bases deleted (ACTGGCG; older notation c.504_510delACTGGCG).
Protein change: p.Leu169fs; shifts the reading frame from leucine 169.
Molecular consequence: frameshift variant. On other transcripts: non-coding transcript variant (1).
Genome position (GRCh38, 1-based): chr4:1,001,478-1,001,484, ACTGGCG deleted; deleting any 7 consecutive bases within chr4:1,001,477-1,001,484 gives the same sequence; the c. name uses the placement nearest the transcript's 3' end. VCF-style (leftmost placement, unchanged base first): chr4-1001476-GGACTGGC-G. GRCh37 (hg19) VCF-style: chr4-995264-GGACTGGC-G.
Other names: c.108_114del, p.Leu37fs (NM_001363576.1); short protein forms L169fs, L37fs.
Identifiers: ClinVar variation 1997929 (VCV001997929.4), dbSNP rs1715068106, ClinGen allele CA1433067274.

ClinVar aggregate classification (germline): Pathogenic (1 of 4 stars; one submission).

Conditions:
Mucopolysaccharidosis type 1. Also called: Mucopolysaccharidosis Type I; IDUA deficiency; MPS I. Identifiers: Orphanet 579, MedGen C0023786, MONDO:0001586.

Submission:

Labcorp Genetics (formerly Invitae), Labcorp
Classification: Pathogenic for Mucopolysaccharidosis type 1. Last evaluated: 2022-06-12. Review status: criteria provided, single submitter. Criteria: Invitae Variant Classification Sherloc (09022015). Collection method: clinical testing. Allele origin: germline.
Comment: For these reasons, this variant has been classified as Pathogenic. This variant has not been reported in the literature in individuals affected with IDUA-related conditions. This variant is not present in population databases (gnomAD no frequency). This sequence change creates a premature translational stop signal (p.Leu169Metfs*23) in the IDUA gene. It is expected to result in an absent or disrupted protein product. Loss-of-function variants in IDUA are known to be pathogenic (PMID: 11735025, 21480867).

Literature cited by the submitters: PubMed 11735025; PubMed 21480867.